The following is an entry in ClinVar:

NM_001122630.2(CDKN1C):c.223T>G (p.Ser75Ala)

Gene: CDKN1C (cyclin dependent kinase inhibitor 1C; minus strand). Cytogenetic location: 11p15.4.
Variant type: single nucleotide variant.
Coding change: c.223T>G on transcript NM_001122630.2 (MANE Select); coding-DNA position 223, T replaced by G.
Protein change: p.Ser75Ala; replaces serine 75 with alanine.
Molecular consequence: missense variant.
Genome position (GRCh38, 1-based): chr11:2,885,234, A>C on the plus strand (T>G on the coding strand, the complement: CDKN1C is on the minus strand). VCF-style: chr11-2885234-A-C. GRCh37 (hg19) VCF-style: chr11-2906464-A-C.
Other names: c.256T>G, p.Ser86Ala (NM_000076.2, NM_001362474.2); c.223T>G, p.Ser75Ala (NM_001122631.2, NM_001362475.2); short protein forms S75A, S86A.
Identifiers: ClinVar variation 972073 (VCV000972073.9), dbSNP rs1848970693, ClinGen allele CA379147198.

ClinVar aggregate classification (germline): Uncertain significance (1 of 4 stars; one submission).

Conditions:
Beckwith-Wiedemann syndrome (BWS). Also called: Exomphalos macroglossia gigantism syndrome; EMG SYNDROME. Identifiers: Orphanet 116, MedGen C0004903, MONDO:0007534, OMIM 130650.

Submission:

Labcorp Genetics (formerly Invitae), Labcorp
Classification: Uncertain significance for Beckwith-Wiedemann syndrome. Last evaluated: 2019-10-16. Review status: criteria provided, single submitter. Criteria: Invitae Variant Classification Sherloc (09022015). Collection method: clinical testing. Allele origin: germline.
Comment: This sequence change replaces serine with alanine at codon 86 of the CDKN1C protein (p.Ser86Ala). The serine residue is moderately conserved and there is a moderate physicochemical difference between serine and alanine. This variant is not present in population databases (ExAC no frequency). This variant has not been reported in the literature in individuals with CDKN1C-related conditions. Algorithms developed to predict the effect of missense changes on protein structure and function are either unavailable or do not agree on the potential impact of this missense change (SIFT: "Tolerated"; PolyPhen-2: "Possibly Damaging"; Align-GVGD: "Class C0"). In summary, the available evidence is currently insufficient to determine the role of this variant in disease. Therefore, it has been classified as a Variant of Uncertain Significance.